The following is an entry in ClinVar:

ClinVar aggregate classification (germline): Pathogenic (1 of 4 stars; one submission).

Conditions:
Oligodontia-cancer predisposition syndrome. Also called: TOOTH AGENESIS-COLORECTAL CANCER SYNDROME. Identifiers: Orphanet 300576, MedGen C1837750, MONDO:0012075, OMIM 608615. Disease mechanism: loss of function.

Submission:

Labcorp Genetics (formerly Invitae), Labcorp
Classification: Pathogenic for Oligodontia-cancer predisposition syndrome. Last evaluated: 2024-05-13. Review status: criteria provided, single submitter. Criteria: Invitae Variant Classification Sherloc (09022015). Collection method: clinical testing. Allele origin: germline.
Comment: This sequence change creates a premature translational stop signal (p.Thr680Profs*26) in the AXIN2 gene. It is expected to result in an absent or disrupted protein product. Loss-of-function variants in AXIN2 are known to be pathogenic (PMID: 15042511, 21416598). This variant is not present in population databases (gnomAD no frequency). This variant has not been reported in the literature in individuals affected with AXIN2-related conditions. ClinVar contains an entry for this variant (Variation ID: 1378845). For these reasons, this variant has been classified as Pathogenic.

Literature cited by the submitters: PubMed 15042511; PubMed 21416598.

NM_004655.4(AXIN2):c.2038_2039del (p.Thr680fs)

Gene: AXIN2 (axin 2; minus strand). Cytogenetic location: 17q24.1.
Variant type: Deletion.
Coding change: c.2038_2039del on transcript NM_004655.4 (MANE Select); coding-DNA positions 2038 to 2039, 2 bases deleted (AC; older notation c.2038_2039delAC).
Protein change: p.Thr680fs; shifts the reading frame from threonine 680.
Molecular consequence: frameshift variant.
Genome position (GRCh38, 1-based): chr17:65,536,422-65,536,423, GT deleted on the plus strand (AC on the coding strand, the reverse complement: AXIN2 is on the minus strand); deleting any 2 consecutive bases within chr17:65,536,422-65,536,424 gives the same sequence; the c. name uses the placement nearest the transcript's 3' end. VCF-style (leftmost placement, unchanged base first): chr17-65536421-GGT-G. GRCh37 (hg19) VCF-style: chr17-63532539-GGT-G.
Other names: c.1843_1844del, p.Thr615fs (NM_001363813.1); short protein forms T680fs, T615fs.
Identifiers: ClinVar variation 1378845 (VCV001378845.6), dbSNP rs2144441207, ClinGen allele CA2573154710.